The following is an entry in ClinVar:

NM_015139.3(SLC35D1):c.757A>G (p.Thr253Ala)

Gene: SLC35D1 (solute carrier family 35 member D1; minus strand). Cytogenetic location: 1p31.3.
Variant type: single nucleotide variant.
Coding change: c.757A>G on transcript NM_015139.3 (MANE Select); coding-DNA position 757, A replaced by G.
Protein change: p.Thr253Ala; replaces threonine 253 with alanine.
Molecular consequence: missense variant.
Genome position (GRCh38, 1-based): chr1:67,021,575, T>C on the plus strand (A>G on the coding strand, the complement: SLC35D1 is on the minus strand). VCF-style: chr1-67021575-T-C. GRCh37 (hg19) VCF-style: chr1-67487258-T-C.
Other names: c.757A>G (NM_015139.2); short protein forms T253A.
Identifiers: ClinVar variation 2187415 (VCV002187415.2), dbSNP rs761883959, ClinGen allele CA898894.

ClinVar aggregate classification (germline): Uncertain significance. Review status: criteria provided, multiple submitters, no conflicts (2 of 4 stars). 2 submissions from 2 submitters: Uncertain significance (2). Last evaluated 2024-04-23.

Conditions:
Schneckenbecken dysplasia. Identifiers: Orphanet 3144, MedGen C0432194, MONDO:0010013, OMIM 269250.
Inborn genetic diseases. Identifiers: MedGen C0950123, MeSH D030342.

Allele frequency attached by ClinVar (database versions not stated): gnomAD exomes 0.00001; ExAC 0.00004; gnomAD 0.00004; TOPMed 0.00009.
gnomAD v4.1: 14 of 1,613,754 alleles (0.00087%); highest among the groups gnomAD compares: African/African-American, 0.013%; no homozygotes.

Submissions (2):

Ambry Genetics
Classification: Uncertain significance for Inborn genetic diseases. Last evaluated: 2024-04-23. Review status: criteria provided, single submitter. Criteria: Ambry Variant Classification Scheme 2023. Collection method: clinical testing. Allele origin: germline.

Labcorp Genetics (formerly Invitae), Labcorp
Classification: Uncertain significance for Schneckenbecken dysplasia. Last evaluated: 2022-02-20. Review status: criteria provided, single submitter. Criteria: Invitae Variant Classification Sherloc (09022015). Collection method: clinical testing. Allele origin: germline.
Comment: This sequence change replaces threonine, which is neutral and polar, with alanine, which is neutral and non-polar, at codon 253 of the SLC35D1 protein (p.Thr253Ala). This variant is present in population databases (rs761883959, gnomAD 0.03%). This variant has not been reported in the literature in individuals affected with SLC35D1-related conditions. Algorithms developed to predict the effect of missense changes on protein structure and function output the following: SIFT: "Tolerated"; PolyPhen-2: "Benign"; Align-GVGD: "Class C0". The alanine amino acid residue is found in multiple mammalian species, which suggests that this missense change does not adversely affect protein function. In summary, the available evidence is currently insufficient to determine the role of this variant in disease. Therefore, it has been classified as a Variant of Uncertain Significance.